The following is an entry in ClinVar:

ClinVar aggregate classification (germline): Uncertain significance. Review status: criteria provided, multiple submitters, no conflicts (2 of 4 stars). 3 submissions from 3 submitters: Uncertain significance (2). 1 of the submissions does not count toward it. Last evaluated 2024-12-20.

Conditions:
Hereditary cancer-predisposing syndrome. Also called: Hereditary neoplastic syndrome; Tumor predisposition; Hereditary Cancer Syndrome; Neoplastic Syndromes, Hereditary. Identifiers: Orphanet 140162, MedGen C0027672, MeSH D009386, MONDO:0015356.
Fumarase deficiency (FMRD). Also called: Fumaric aciduria; Fumarate Hydratase Deficiency. Identifiers: Orphanet 24, MedGen C0342770, MONDO:0011730, OMIM 606812.

Submissions (3):

Ambry Genetics
Classification: Uncertain significance for Hereditary cancer-predisposing syndrome. Last evaluated: 2024-12-20. Review status: criteria provided, single submitter. Criteria: Ambry Variant Classification Scheme 2023. Collection method: clinical testing. Allele origin: germline.
Comment: The p.I173L variant (also known as c.517A>T), located in coding exon 4 of the FH gene, results from an A to T substitution at nucleotide position 517. The isoleucine at codon 173 is replaced by leucine, an amino acid with highly similar properties. This amino acid position is conserved. In addition, the in silico prediction for this alteration is inconclusive. Based on the available evidence, the clinical significance of this variant remains unclear.

Labcorp Genetics (formerly Invitae), Labcorp
Classification: Uncertain significance. Last evaluated: 2024-01-21. Review status: criteria provided, single submitter. Criteria: Invitae Variant Classification Sherloc (09022015). Collection method: clinical testing. Allele origin: germline.
Comment: This sequence change replaces isoleucine, which is neutral and non-polar, with leucine, which is neutral and non-polar, at codon 173 of the FH protein (p.Ile173Leu). This variant is not present in population databases (gnomAD no frequency). This variant has not been reported in the literature in individuals affected with FH-related conditions. ClinVar contains an entry for this variant (Variation ID: 576598). Advanced modeling of protein sequence and biophysical properties (such as structural, functional, and spatial information, amino acid conservation, physicochemical variation, residue mobility, and thermodynamic stability) performed at Invitae indicates that this missense variant is not expected to disrupt FH protein function with a negative predictive value of 95%. In summary, the available evidence is currently insufficient to determine the role of this variant in disease. Therefore, it has been classified as a Variant of Uncertain Significance.

Natera, Inc.
Classification: Uncertain significance for Fumarase Deficiency. Last evaluated: 2020-12-18. Review status: no assertion criteria provided. Collection method: clinical testing. Allele origin: germline. Not counted in ClinVar's aggregate classification.

NM_000143.4(FH):c.517A>T (p.Ile173Leu)

Gene: FH (fumarate hydratase; minus strand). Cytogenetic location: 1q43.
Variant type: single nucleotide variant.
Coding change: c.517A>T on transcript NM_000143.4 (MANE Select); coding-DNA position 517, A replaced by T.
Protein change: p.Ile173Leu; replaces isoleucine 173 with leucine.
Molecular consequence: missense variant.
Genome position (GRCh38, 1-based): chr1:241,512,005, T>A on the plus strand (A>T on the coding strand, the complement: FH is on the minus strand). VCF-style: chr1-241512005-T-A. GRCh37 (hg19) VCF-style: chr1-241675305-T-A.
Other names: short protein forms I173L.
Identifiers: ClinVar variation 576598 (VCV000576598.13), dbSNP rs1558400504, ClinGen allele CA345439926.